The following is an entry in ClinVar:

ClinVar aggregate classification (germline): Benign (1 of 4 stars; one submission).

Allele frequency attached by ClinVar (database versions not stated): 1000 Genomes Project 30x 0.35478; 1000 Genomes Project 0.35603; TOPMed 0.40103; gnomAD 0.41843 and 0.41957.
gnomAD v4.1: 63,548 of 151,934 alleles (42%); highest among the groups gnomAD compares: Non-Finnish European, 49%; 13,967 homozygotes.

Submission:

GeneDx
Classification: Benign. Last evaluated: 2018-06-19. Review status: criteria provided, single submitter. Criteria: GeneDx Variant Classification (06012015). Collection method: clinical testing. Allele origin: germline. Affected: yes.
Comment: This variant is considered likely benign or benign based on one or more of the following criteria: it is a conservative change, it occurs at a poorly conserved position in the protein, it is predicted to be benign by multiple in silico algorithms, and/or has population frequency not consistent with disease.

NM_032578.4(MYPN):c.2926-303T>C

Gene: MYPN (myopalladin; plus strand). Cytogenetic location: 10q21.3.
Variant type: single nucleotide variant.
Coding change: c.2926-303T>C on transcript NM_032578.4 (MANE Select); 303 bases into the intron before coding-DNA position 2926, T replaced by C.
Molecular consequence: intron variant.
Genome position (GRCh38, 1-based): chr10:68,194,060, T>C. VCF-style: chr10-68194060-T-C. GRCh37 (hg19) VCF-style: chr10-69953817-T-C.
Other names: c.2926-303T>C (NM_001256267.2); c.2044-303T>C (NM_001256268.2).
Identifiers: ClinVar variation 668992 (VCV000668992.1), dbSNP rs7094885, ClinGen allele CA208221376.